The following is an entry in ClinVar:

ClinVar aggregate classification (germline): Uncertain significance (1 of 4 stars; one submission).

gnomAD v4.1: 5 of 1,614,010 alleles (0.00031%); highest among the groups gnomAD compares: Non-Finnish European, 0.00042%; no homozygotes.

Submission:

Labcorp Genetics (formerly Invitae), Labcorp
Classification: Uncertain significance. Last evaluated: 2025-01-06. Review status: criteria provided, single submitter. Criteria: Invitae Variant Classification Sherloc (09022015). Collection method: clinical testing. Allele origin: germline.
Comment: This sequence change replaces aspartic acid, which is acidic and polar, with asparagine, which is neutral and polar, at codon 917 of the FAT2 protein (p.Asp917Asn). This variant is not present in population databases (gnomAD no frequency). This variant has not been reported in the literature in individuals affected with FAT2-related conditions. An algorithm developed to predict the effect of missense changes on protein structure and function (PolyPhen-2) suggests that this variant is likely to be disruptive. In summary, the available evidence is currently insufficient to determine the role of this variant in disease. Therefore, it has been classified as a Variant of Uncertain Significance.

NM_001447.3(FAT2):c.2749G>A (p.Asp917Asn)

Gene: FAT2 (FAT atypical cadherin 2; minus strand). Cytogenetic location: 5q33.1.
Variant type: single nucleotide variant.
Coding change: c.2749G>A on transcript NM_001447.3 (MANE Select); coding-DNA position 2749, G replaced by A.
Protein change: p.Asp917Asn; replaces aspartic acid 917 with asparagine.
Molecular consequence: missense variant.
Genome position (GRCh38, 1-based): chr5:151,566,183, C>T on the plus strand (G>A on the coding strand, the complement: FAT2 is on the minus strand). VCF-style: chr5-151566183-C-T. GRCh37 (hg19) VCF-style: chr5-150945744-C-T.
Other names: short protein forms D917N.
Identifiers: ClinVar variation 3607972 (VCV003607972.2).
Genomic context (GRCh38, chr5:151,566,183, plus strand): 5'-CCTCTGGAACCTTCAGCCTGTTGTGTTCTGTGATGCACTGGGGAGAGTTGTCGTTGACAT[C>T]CTCCAATGTGATTATCAGGTCAGTGACAGAGAAGAGCTGGTGGCCTTTGCTGGGCTGATC-3'
Protein context (NP_001438.1, residues 907-927): SVTDLIITLE[Asp917Asn]VNDNSPQCIT